The following is an entry in ClinVar:

ClinVar aggregate classification (germline): Uncertain significance (1 of 4 stars; one submission).

Conditions:
HTR2C-related disorder. Also called: HTR2C-related condition.

gnomAD v4.1: 34 of 1,208,495 alleles (0.0028%); highest among the groups gnomAD compares: Non-Finnish European, 0.0036%; no homozygotes.

Submission:

PreventionGenetics, part of Exact Sciences
Classification: Uncertain significance for HTR2C-related condition. Last evaluated: 2026-01-02. Review status: criteria provided, single submitter. Criteria: ACMG Guidelines, 2015. Collection method: clinical testing. Allele origin: germline.
Comment: The HTR2C c.673G>T variant is predicted to result in the amino acid substitution p.Ala225Ser. To our knowledge, this variant has not been reported in the literature or in a large population database (gnomAD), indicating this variant is rare. At this time, the clinical significance of this variant is uncertain due to the absence of conclusive functional and genetic evidence.

NM_000868.4(HTR2C):c.768G>T (p.Pro256=)

Genes: HTR2C (5-hydroxytryptamine receptor 2C; plus strand), LOC126863306 (MED14-independent group 3 enhancer GRCh37_chrX:114140926-114142125; plus strand). Cytogenetic location: Xq23.
Variant type: single nucleotide variant.
Coding change: c.768G>T on transcript NM_000868.4 (MANE Select); coding-DNA position 768, G replaced by T.
Protein change: p.Pro256=; no amino-acid change (proline 256 retained).
Molecular consequence: synonymous variant. On other transcripts: missense variant (1).
Genome position (GRCh38, 1-based): chrX:114,906,806, G>T. VCF-style: chrX-114906806-G-T. GRCh37 (hg19) VCF-style: chrX-114141369-G-T.
Other names: c.768G>T, p.Pro256= (NM_001256760.3); c.673G>T, p.Ala225Ser (NM_001256761.3); short protein forms A225S.
Identifiers: ClinVar variation 4985384 (VCV004985384.1).